The following is an entry in ClinVar:

NM_144585.4(SLC22A12):c.1453C>G (p.Leu485Val)

Gene: SLC22A12 (solute carrier family 22 member 12; plus strand). Cytogenetic location: 11q13.1.
Variant type: single nucleotide variant.
Coding change: c.1453C>G on transcript NM_144585.4 (MANE Select); coding-DNA position 1453, C replaced by G.
Protein change: p.Leu485Val; replaces leucine 485 with valine.
Molecular consequence: missense variant.
Genome position (GRCh38, 1-based): chr11:64,600,793, C>G. VCF-style: chr11-64600793-C-G. GRCh37 (hg19) VCF-style: chr11-64368265-C-G.
Other names: c.1351C>G, p.Leu451Val (NM_001276326.2); c.1129C>G, p.Leu377Val (NM_001276327.2); c.790C>G, p.Leu264Val (NM_153378.3); short protein forms L264V, L377V, L451V, L485V.
Identifiers: ClinVar variation 1424241 (VCV001424241.8), dbSNP rs752399949, ClinGen allele CA6077460.

ClinVar aggregate classification (germline): Uncertain significance (1 of 4 stars; one submission).

Allele frequency attached by ClinVar (database versions not stated): ExAC 0.00001; gnomAD 0.00001; gnomAD exomes 0.00001 and 0.00002; TOPMed 0.00001.
gnomAD v4.1: 37 of 1,605,914 alleles (0.0023%); highest among the groups gnomAD compares: Non-Finnish European, 0.003%; no homozygotes.

Submission:

Labcorp Genetics (formerly Invitae), Labcorp
Classification: Uncertain significance. Last evaluated: 2021-05-04. Review status: criteria provided, single submitter. Criteria: Invitae Variant Classification Sherloc (09022015). Collection method: clinical testing. Allele origin: germline.
Comment: This sequence change replaces leucine with valine at codon 485 of the SLC22A12 protein (p.Leu485Val). The leucine residue is highly conserved and there is a small physicochemical difference between leucine and valine. This variant is present in population databases (rs752399949, ExAC 0.002%). This variant has not been reported in the literature in individuals with SLC22A12-related conditions. Algorithms developed to predict the effect of missense changes on protein structure and function (SIFT, PolyPhen-2, Align-GVGD) all suggest that this variant is likely to be disruptive, but these predictions have not been confirmed by published functional studies and their clinical significance is uncertain. In summary, the available evidence is currently insufficient to determine the role of this variant in disease. Therefore, it has been classified as a Variant of Uncertain Significance.